The following is an entry in ClinVar:

ClinVar aggregate classification (germline): Likely benign. Review status: criteria provided, single submitter (1 of 4 stars). 2 submissions from 2 submitters: Likely benign (1). 1 of the submissions does not count toward it. Last evaluated 2026-05-19.

Conditions:
ETFA-related disorder. Also called: ETFA-related condition.
Multiple acyl-CoA dehydrogenase deficiency (MADD). Also called: Glutaric aciduria, type 2; Glutaric acidemia type II; GA 2; ETHYLMALONIC-ADIPICACIDURIA; GA II; Glutaric Acidemia type 2. Identifiers: Orphanet 26791, MedGen C0268596, MONDO:0009282, OMIM 231680.

Allele frequency attached by ClinVar (database versions not stated): ExAC below 0.00001; gnomAD exomes 0.00009 and 0.00014; gnomAD 0.00011; TOPMed 0.00014.
gnomAD v4.1: 210 of 1,559,250 alleles (0.013%); highest among the groups gnomAD compares: Admixed American, 0.023%; no homozygotes.

Submissions (2):

PreventionGenetics, part of Exact Sciences
Classification: Likely benign for ETFA-related condition. Last evaluated: 2026-05-19. Review status: criteria provided, single submitter. Criteria: ACMG Guidelines, 2015. Collection method: clinical testing. Allele origin: germline.
Comment: This variant is classified as likely benign based on ACMG/AMP sequence variant interpretation guidelines (Richards et al. 2015 PMID: 25741868, with internal and published modifications).

Natera, Inc.
Classification: Uncertain significance for Glutaric aciduria type 2. Last evaluated: 2020-11-11. Review status: no assertion criteria provided. Collection method: clinical testing. Allele origin: germline. Not counted in ClinVar's aggregate classification.

NM_000126.4(ETFA):c.-9G>T

Gene: ETFA (electron transfer flavoprotein subunit alpha; minus strand). Cytogenetic location: 15q24.3.
Variant type: single nucleotide variant.
Coding change: c.-9G>T on transcript NM_000126.4 (MANE Select); 9 bases upstream of the start codon, G replaced by T.
Molecular consequence: 5 prime UTR variant.
Genome position (GRCh38, 1-based): chr15:76,311,397, C>A on the plus strand (G>T on the coding strand, the complement: ETFA is on the minus strand). VCF-style: chr15-76311397-C-A. GRCh37 (hg19) VCF-style: chr15-76603738-C-A.
Other names: c.-9G>T (NM_000126.3, NM_001127716.2).
Identifiers: ClinVar variation 990298 (VCV000990298.2), dbSNP rs754953251, ClinGen allele CA7673903.
Genomic context (GRCh38, chr15:76,311,397, plus strand): 5'-AGTCCGGACTCACCGCCCGCCGGAGCTGCCCCGGAGCCGCCGCTCGGAACATGGTCTCCG[C>A]TTCCGCCGCAACCTCGGCCTTACAGCAGCCCCGTGCCCGGCCAACTGGCGCCGCCTCAGC-3'